The following is an entry in ClinVar:

NM_005343.4(HRAS):c.214A>C (p.Met72Leu)

Genes: HRAS (HRas proto-oncogene, GTPase; minus strand), LRRC56 (leucine rich repeat containing 56; plus strand). Cytogenetic location: 11p15.5.
Variant type: single nucleotide variant.
Coding change: c.214A>C on transcript NM_005343.4 (MANE Select); coding-DNA position 214, A replaced by C.
Protein change: p.Met72Leu; replaces methionine 72 with leucine.
Molecular consequence: missense variant. On other transcripts: 5 prime UTR variant (1).
Genome position (GRCh38, 1-based): chr11:533,842, T>G on the plus strand (A>C on the coding strand, the complement: HRAS is on the minus strand). VCF-style: chr11-533842-T-G. GRCh37 (hg19) VCF-style: chr11-533842-T-G.
Other names: c.214A>C, p.Met72Leu (NM_001130442.3, NM_176795.5); c.-106A>C (NM_001318054.2); short protein forms M72L.
Identifiers: ClinVar variation 618166 (VCV000618166.10), dbSNP rs1564789500, ClinGen allele CA378924603.

ClinVar aggregate classification (germline): Uncertain significance. Review status: criteria provided, multiple submitters, no conflicts (2 of 4 stars). 2 submissions from 2 submitters: Uncertain significance (2). Last evaluated 2024-11-03.

Conditions:
Costello syndrome (CSTLO). Also called: HRAS-Related Costello Syndrome; FCS SYNDROME; FACIOCUTANEOSKELETAL SYNDROME. Identifiers: Orphanet 3071, MedGen C0587248, MONDO:0009026, OMIM 218040.

Submissions (2):

Labcorp Genetics (formerly Invitae), Labcorp
Classification: Uncertain significance for Costello syndrome. Last evaluated: 2024-11-03. Review status: criteria provided, single submitter. Criteria: Invitae Variant Classification Sherloc (09022015). Collection method: clinical testing. Allele origin: germline.
Comment: This sequence change replaces methionine, which is neutral and non-polar, with leucine, which is neutral and non-polar, at codon 72 of the HRAS protein (p.Met72Leu). This variant is not present in population databases (gnomAD no frequency). This variant has not been reported in the literature in individuals affected with HRAS-related conditions. ClinVar contains an entry for this variant (Variation ID: 618166). Invitae Evidence Modeling of protein sequence and biophysical properties (such as structural, functional, and spatial information, amino acid conservation, physicochemical variation, residue mobility, and thermodynamic stability) has been performed for this missense variant. However, the output from this modeling did not meet the statistical confidence thresholds required to predict the impact of this variant on HRAS protein function. In summary, the available evidence is currently insufficient to determine the role of this variant in disease. Therefore, it has been classified as a Variant of Uncertain Significance.

ARUP Laboratories, Molecular Genetics and Genomics, ARUP Laboratories
Classification: Uncertain significance. Last evaluated: 2018-03-11. Review status: criteria provided, single submitter. Criteria: ARUP Molecular Germline Variant Investigation Process. Collection method: clinical testing. Allele origin: germline.
Comment: The HRAS: p.Met72Leu variant has not been reported in the medical literature, gene specific variation databases, nor has it been previously identified by our laboratory. However, an analogous variant (p.Met72Leu) affecting a closely-related gene paralog to HRAS, KRAS, was shown to co-segregate in one family with characteristic features of Noonan syndrome (Brasil 2012). HRAS p.Met72Leu variant is also absent from general population databases such as 1000 Genomes, NHLBI GO Exome Sequencing Project (ESP), and the Genome Aggregation Database (gnomAD). The methionine at position 72 is highly conserved up to bakerâ€™s yeast considering 12 species (Alamut v2.10) and computational analyses of the effects of the p.Met72Leu variant on protein structure and function provide conflicting results (SIFT: damaging, PolyPhen-2: benign). Altogether, there is not enough evidence to classify the p.Met72Leu variant with certainty.